The following is an entry in ClinVar:

NM_016929.5(CLIC5):c.421del (p.Gly140_Leu141insTer)

Gene: CLIC5 (chloride intracellular channel 5; minus strand). Cytogenetic location: 6p21.1.
Variant type: Deletion.
Coding change: c.421del on transcript NM_016929.5 (MANE Select); coding-DNA position 421, one base deleted (C; older notation c.421delC).
Protein change: p.Gly140_Leu141insTer.
Molecular consequence: nonsense. On other transcripts: non-coding transcript variant (3).
Genome position (GRCh38, 1-based): chr6:45,914,395, G deleted on the plus strand (C on the coding strand, the reverse complement: CLIC5 is on the minus strand); the first of 2 consecutive G bases (chr6:45,914,395-45,914,396); deleting either gives the same sequence. VCF-style (leftmost placement, unchanged base first): chr6-45914394-AG-A. GRCh37 (hg19) VCF-style: chr6-45882131-AG-A.
Other names: c.898del, p.Gly299_Leu300insTer (NM_001114086.2, NM_001370650.1); c.421del, p.Gly140_Leu141insTer (NM_001256023.2); c.304del, p.Gly101_Leu102insTer (NM_001370649.1).
Identifiers: ClinVar variation 4774964 (VCV004774964.1).

ClinVar aggregate classification (germline): Uncertain significance (1 of 4 stars; one submission).

Submission:

Labcorp Genetics (formerly Invitae), Labcorp
Classification: Uncertain significance. Last evaluated: 2025-05-16. Review status: criteria provided, single submitter. Criteria: Invitae Variant Classification Sherloc (09022015). Collection method: clinical testing. Allele origin: germline.
Comment: This sequence change creates a premature translational stop signal (p.Leu300*) in the CLIC5 gene. It is expected to result in an absent or disrupted protein product. However, the current clinical and genetic evidence is not sufficient to establish whether loss-of-function variants in CLIC5 cause disease. This variant is present in population databases (rs767020996, gnomAD 0.002%). This variant has not been reported in the literature in individuals affected with CLIC5-related conditions. In summary, the available evidence is currently insufficient to determine the role of this variant in disease. Therefore, it has been classified as a Variant of Uncertain Significance.